The following is an entry in ClinVar:

NM_005591.4(MRE11):c.846-20T>G

Gene: MRE11 (MRE11 homolog, double strand break repair nuclease; minus strand). Cytogenetic location: 11q21.
Variant type: single nucleotide variant.
Coding change: c.846-20T>G on transcript NM_005591.4 (MANE Select); 20 bases into the intron before coding-DNA position 846, T replaced by G.
Molecular consequence: intron variant.
Genome position (GRCh38, 1-based): chr11:94,470,662, A>C on the plus strand (T>G on the coding strand, the complement: MRE11 is on the minus strand). VCF-style: chr11-94470662-A-C. GRCh37 (hg19) VCF-style: chr11-94203828-A-C.
Other names: c.846-20T>G (NM_001330347.2, NM_005590.4).
Identifiers: ClinVar variation 2190042 (VCV002190042.1), dbSNP rs757004804, ClinGen allele CA601193696.
Genomic context (GRCh38, chr11:94,470,662, plus strand): 5'-TATTCATCTTCCTCCCTTTAATACGCAGCAAACCAACATGTCTGAAGTGGAGAGAAATGA[A>C]CACCGAGTCACAGTGTAAATTTCCTCAGGGTGATGTGCAAACGAAAGCTTTCATATTTCT-3'

ClinVar aggregate classification (germline): Uncertain significance (1 of 4 stars; one submission).

Conditions:
Ataxia-telangiectasia-like disorder (ATLD). Identifiers: MedGen C1858391, MONDO:0011457.

Allele frequency attached by ClinVar (database versions not stated): gnomAD 0.00001; TOPMed 0.00001.

Submission:

Labcorp Genetics (formerly Invitae), Labcorp
Classification: Uncertain significance for Ataxia-telangiectasia-like disorder. Last evaluated: 2022-05-27. Review status: criteria provided, single submitter. Criteria: Invitae Variant Classification Sherloc (09022015). Collection method: clinical testing. Allele origin: germline.
Comment: This sequence change falls in intron 8 of the MRE11 gene. It does not directly change the encoded amino acid sequence of the MRE11 protein. This variant is present in population databases (no rsID available, gnomAD 0.002%). This variant has not been reported in the literature in individuals affected with MRE11-related conditions. Algorithms developed to predict the effect of sequence changes on RNA splicing suggest that this variant may disrupt the consensus splice site. In summary, the available evidence is currently insufficient to determine the role of this variant in disease. Therefore, it has been classified as a Variant of Uncertain Significance.